The following is an entry in ClinVar:

ClinVar aggregate classification (germline): Conflicting classifications of pathogenicity. Review status: criteria provided, conflicting classifications (1 of 4 stars). 2 submissions from 2 submitters: Likely pathogenic (1); Uncertain significance (1). Last evaluated 2025-12-19.

Conditions:
Argininosuccinate lyase deficiency. Also called: Argininosuccinic aciduria; ARGININOSUCCINIC ACID LYASE DEFICIENCY; ASL DEFICIENCY. Identifiers: Orphanet 23, MedGen C0268547, MONDO:0008815, OMIM 207900, HP:0025630.

gnomAD v4.1: 1 of 1,613,952 alleles (0.000062%); highest among the groups gnomAD compares: Non-Finnish European, 0.000085%; no homozygotes.

Submissions (2):

Natera, Inc.
Classification: Likely pathogenic for Argininosuccinate lyase deficiency. Last evaluated: 2025-12-19. Review status: criteria provided, single submitter. Criteria: Natera Variant Classification Schema (03/2026). Collection method: clinical testing. Allele origin: germline.
Comment: The c.913G>A variant in ASL is a missense variant predicted to cause substitution of glycine to arginine at amino acid 305. This variant is rare in the general population with a frequency below the threshold expected for the associated phenotype(s). This variant has been observed in one or more individuals affected with the associated recessive disease, as either homozygous or compound heterozygous with a second variant (PMID: 30285816, 31792768). This variant has been identified in one or more affected individual with a phenotype highly consistent with the associated gene (PMID: 30285816). Computational prediction algorithms indicate this variant is likely to affect gene or protein function. Given the available evidence, this variant is classified as Likely Pathogenic.

Myriad Genetics, Inc.
Classification: Uncertain significance for Argininosuccinate lyase deficiency. Last evaluated: 2025-10-21. Review status: criteria provided, single submitter. Criteria: Myriad Autosomal Dominant, Autosomal Recessive and X-Linked Classification Criteria (2023). Collection method: clinical testing. Allele origin: unknown.
Comment: NM_001024943.1(ASL):c.913G>A(G305R) is a missense variant classified as a variant of uncertain significance in the context of argininosuccinic aciduria. G305R has been observed in cases with relevant disease (PMID: 30285816, 31792768). Relevant functional assessments of this variant are not available in the literature. G305R has been observed in referenced population frequency databases. In summary, there is insufficient evidence to classify NM_001024943.1(ASL):c.913G>A(G305R) as pathogenic or benign. Please note: this variant was assessed in the context of healthy population screening.

Literature cited by the submitters: PubMed 30285816 (cited by Natera, Inc. and Myriad Genetics, Inc.); PubMed 31792768 (cited by Natera, Inc. and Myriad Genetics, Inc.).

NM_000048.4(ASL):c.913G>A (p.Gly305Arg)

Gene: ASL (argininosuccinate lyase; plus strand). Cytogenetic location: 7q11.21.
Variant type: single nucleotide variant.
Coding change: c.913G>A on transcript NM_000048.4 (MANE Select); coding-DNA position 913, G replaced by A.
Protein change: p.Gly305Arg; replaces glycine 305 with arginine.
Molecular consequence: missense variant.
Genome position (GRCh38, 1-based): chr7:66,089,170, G>A. VCF-style: chr7-66089170-G-A. GRCh37 (hg19) VCF-style: chr7-65554157-G-A.
Other names: c.913G>A, p.Gly305Arg (NM_001024943.2, NM_001024944.2); c.835G>A, p.Gly279Arg (NM_001024946.2); short protein forms G279R, G305R.
Identifiers: ClinVar variation 4818369 (VCV004818369.2).